The following is an entry in ClinVar:

NM_014476.6(PDLIM3):c.663-15_663-11dup

Gene: PDLIM3 (PDZ and LIM domain 3; minus strand). Cytogenetic location: 4q35.1.
Variant type: Duplication.
Coding change: c.663-15_663-11dup on transcript NM_014476.6 (MANE Select); 15 bases into the intron before coding-DNA position 663 through 11 bases into the intron before coding-DNA position 663, 5 bases duplicated (GTGCC; older notation c.663-15_663-11dupGTGCC).
Molecular consequence: intron variant.
Genome position (GRCh38, 1-based): chr4:185,506,663-185,506,667, GGCAC duplicated on the plus strand (GTGCC on the coding strand, the reverse complement: PDLIM3 is on the minus strand); duplicating any 5 consecutive bases within chr4:185,506,663-185,506,670 gives the same sequence; the c. name uses the placement nearest the transcript's 3' end. VCF-style (leftmost placement, unchanged base first): chr4-185506662-A-AGGCAC. GRCh37 (hg19) VCF-style: chr4-186427816-A-AGGCAC.
Other names: c.162-15_162-11dup (NM_001257963.2); c.399-15_399-11dup (NM_001257962.2); c.519-15_519-11dup (NM_001114107.5).
Identifiers: ClinVar variation 3760638 (VCV003760638.2).

ClinVar aggregate classification (germline): Uncertain significance (1 of 4 stars; one submission).

Conditions:
Primary dilated cardiomyopathy (DCM). Also called: Dilated Cardiomyopathy. Identifiers: Orphanet 217604, MedGen C0007193, MeSH D002311, MONDO:0005021, HP:0001644. Inheritance: Various modes of inheritance.
Hypertrophic cardiomyopathy. Also called: HYPERTROPHIC MYOCARDIOPATHY. Identifiers: Orphanet 217569, MedGen C0007194, MeSH D002312, MONDO:0005045, HP:0001639.

Submission:

Labcorp Genetics (formerly Invitae), Labcorp
Classification: Uncertain significance for Hypertrophic cardiomyopathy; Primary dilated cardiomyopathy. Last evaluated: 2025-10-23. Review status: criteria provided, single submitter. Criteria: Invitae Variant Classification Sherloc (09022015). Collection method: clinical testing. Allele origin: germline.
Comment: This sequence change falls in intron 5 of the PDLIM3 gene. It does not directly change the encoded amino acid sequence of the PDLIM3 protein. This variant is not present in population databases (gnomAD no frequency). This variant has not been reported in the literature in individuals affected with PDLIM3-related conditions. ClinVar contains an entry for this variant (Variation ID: 3760638). Algorithms developed to predict the effect of sequence changes on RNA splicing suggest that this variant may create or strengthen a splice site. In summary, the available evidence is currently insufficient to determine the role of this variant in disease. Therefore, it has been classified as a Variant of Uncertain Significance.